The following is an entry in ClinVar:

ClinVar aggregate classification (germline): Uncertain significance (1 of 4 stars; one submission).

Allele frequency attached by ClinVar (database versions not stated): gnomAD exomes 0.00001.
gnomAD v4.1: 12 of 1,612,976 alleles (0.00074%); highest among the groups gnomAD compares: South Asian, 0.0011%; no homozygotes.

Submission:

Labcorp Genetics (formerly Invitae), Labcorp
Classification: Uncertain significance. Last evaluated: 2024-01-24. Review status: criteria provided, single submitter. Criteria: Invitae Variant Classification Sherloc (09022015). Collection method: clinical testing. Allele origin: germline.
Comment: This sequence change replaces isoleucine, which is neutral and non-polar, with valine, which is neutral and non-polar, at codon 887 of the FOCAD protein (p.Ile887Val). This variant is not present in population databases (gnomAD no frequency). This variant has not been reported in the literature in individuals affected with FOCAD-related conditions. Algorithms developed to predict the effect of missense changes on protein structure and function output the following: SIFT: "Not Available"; PolyPhen-2: "Not Available"; Align-GVGD: "Not Available". The valine amino acid residue is found in multiple mammalian species, which suggests that this missense change does not adversely affect protein function. In summary, the available evidence is currently insufficient to determine the role of this variant in disease. Therefore, it has been classified as a Variant of Uncertain Significance.

NM_001375567.1(FOCAD):c.2659A>G (p.Ile887Val)

Gene: FOCAD (focadhesin; plus strand). Cytogenetic location: 9p21.3.
Variant type: single nucleotide variant.
Coding change: c.2659A>G on transcript NM_001375567.1 (MANE Select); coding-DNA position 2659, A replaced by G.
Protein change: p.Ile887Val; replaces isoleucine 887 with valine.
Molecular consequence: missense variant.
Genome position (GRCh38, 1-based): chr9:20,907,183, A>G. VCF-style: chr9-20907183-A-G. GRCh37 (hg19) VCF-style: chr9-20907182-A-G.
Other names: c.2554A>G, p.Ile852Val (NM_001375568.1, NM_001375570.1); c.2659A>G, p.Ile887Val (NM_017794.5); short protein forms I852V, I887V.
Identifiers: ClinVar variation 2710959 (VCV002710959.3), dbSNP rs2491824555, ClinGen allele CA373049559.